The following is an entry in ClinVar:

ClinVar aggregate classification (germline): Uncertain significance (1 of 4 stars; one submission).

Conditions:
Exostoses, multiple, type 2 (EXT2). Also called: Hereditary Multiple Osteochondromatosis, Type II; EXOSTOSES, MULTIPLE, TYPE II. Identifiers: Orphanet 321, MedGen C1851413, MONDO:0007586, OMIM 133701.

Submission:

Labcorp Genetics (formerly Invitae), Labcorp
Classification: Uncertain significance for Exostoses, multiple, type 2. Last evaluated: 2025-07-09. Review status: criteria provided, single submitter. Criteria: Invitae Variant Classification Sherloc (09022015). Collection method: clinical testing. Allele origin: germline.
Comment: This sequence change replaces serine, which is neutral and polar, with proline, which is neutral and non-polar, at codon 127 of the EXT2 protein (p.Ser127Pro). This variant is not present in population databases (gnomAD no frequency). This variant has not been reported in the literature in individuals affected with EXT2-related conditions. Invitae Evidence Modeling of protein sequence and biophysical properties (such as structural, functional, and spatial information, amino acid conservation, physicochemical variation, residue mobility, and thermodynamic stability) has been performed for this missense variant. However, the output from this modeling did not meet the statistical confidence thresholds required to predict the impact of this variant on EXT2 protein function. In summary, the available evidence is currently insufficient to determine the role of this variant in disease. Therefore, it has been classified as a Variant of Uncertain Significance.

NM_207122.2(EXT2):c.379T>C (p.Ser127Pro)

Gene: EXT2 (exostosin glycosyltransferase 2; plus strand). Cytogenetic location: 11p11.2.
Variant type: single nucleotide variant.
Coding change: c.379T>C on transcript NM_207122.2 (MANE Select); coding-DNA position 379, T replaced by C.
Protein change: p.Ser127Pro; replaces serine 127 with proline.
Molecular consequence: missense variant.
Genome position (GRCh38, 1-based): chr11:44,108,091, T>C. VCF-style: chr11-44108091-T-C. GRCh37 (hg19) VCF-style: chr11-44129641-T-C.
Other names: c.478T>C, p.Ser160Pro (NM_000401.3); c.379T>C, p.Ser127Pro (NM_001178083.3, NM_001389628.1, NM_001389630.1); short protein forms S127P, S160P.
Identifiers: ClinVar variation 4753148 (VCV004753148.1).